The following is an entry in ClinVar:

ClinVar aggregate classification (germline): Uncertain significance (1 of 4 stars; one submission).

Allele frequency attached by ClinVar (database versions not stated): gnomAD exomes below 0.00001 and 0.00001.
gnomAD v4.1: 9 of 1,550,406 alleles (0.00058%); highest among the groups gnomAD compares: African/African-American, 0.012%; no homozygotes.

Submission:

GeneDx
Classification: Uncertain significance. Last evaluated: 2026-09-24. Review status: criteria provided, single submitter. Criteria: GeneDx Variant Classification Process June 2021. Collection method: clinical testing. Allele origin: germline.
Comment: Not observed at significant frequency in large population cohorts (gnomAD); In silico analysis supports a deleterious effect on splicing; In silico analysis suggests that this missense variant does not alter protein structure/function; Has not been previously published as pathogenic or benign to our knowledge

NM_001292063.2(OTOG):c.4922C>T (p.Ala1641Val)

Gene: OTOG (otogelin; plus strand). Cytogenetic location: 11p15.1.
Variant type: single nucleotide variant.
Coding change: c.4922C>T on transcript NM_001292063.2 (MANE Select); coding-DNA position 4922, C replaced by T.
Protein change: p.Ala1641Val; replaces alanine 1641 with valine.
Molecular consequence: missense variant.
Genome position (GRCh38, 1-based): chr11:17,610,222, C>T. VCF-style: chr11-17610222-C-T. GRCh37 (hg19) VCF-style: chr11-17631769-C-T.
Other names: c.4958C>T, p.Ala1653Val (NM_001277269.2); short protein forms A1641V, A1653V.
Identifiers: ClinVar variation 1313478 (VCV001313478.4), dbSNP rs979185551, ClinGen allele CA218475875.